The following is an entry in ClinVar:

ClinVar aggregate classification (germline): Uncertain significance. Review status: criteria provided, multiple submitters, no conflicts (2 of 4 stars). 2 submissions from 2 submitters: Uncertain significance (2). Last evaluated 2022-04-12.

Conditions:
Autosomal dominant nonsyndromic hearing loss 17. Also called: Deafness, autosomal dominant 17; Autosomal dominant nonsyndromic deafness 17. Identifiers: Orphanet 90635, MedGen C1863659, MONDO:0011350, OMIM 603622.
Macrothrombocytopenia and granulocyte inclusions with or without nephritis or sensorineural hearing loss (MATINS). Also called: MAY-HEGGLIN ANOMALY; BLEEDING DISORDER, PLATELET-TYPE, 6; MACROTHROMBOCYTOPENIA WITH LEUKOCYTE INCLUSIONS; SEBASTIAN PLATELET SYNDROME; MACROTHROMBOCYTOPENIA WITH DISPERSED LEUKOCYTIC INCLUSIONS; MACROTHROMBOCYTOPENIA, NEPHRITIS, AND DEAFNESS. Identifiers: Orphanet 182050, MedGen C5200934, MONDO:0015912, OMIM 155100.

Allele frequency attached by ClinVar (database versions not stated): gnomAD exomes below 0.00001 and 0.00001; TOPMed 0.00001.
gnomAD v4.1: 3 of 1,613,848 alleles (0.00019%); highest among the groups gnomAD compares: Non-Finnish European, 0.00025%; no homozygotes.

Submissions (2):

Fulgent Genetics
Classification: Uncertain significance for Macrothrombocytopenia and granulocyte inclusions with or without nephritis or sensorineural hearing loss; Autosomal dominant nonsyndromic hearing loss 17. Last evaluated: 2022-04-12. Review status: criteria provided, single submitter. Criteria: ACMG Guidelines, 2015. Collection method: clinical testing. Allele origin: unknown.

Laboratory for Molecular Medicine, Mass General Brigham Personalized Medicine
Classification: Uncertain significance. Last evaluated: 2019-09-04. Review status: criteria provided, single submitter. Criteria: LMM Criteria. Collection method: clinical testing. Allele origin: germline. Observed: 1 variant allele.
Comment: The p.Ala220Val variant in MYH9 has not been previously reported in individuals with MYH9-relate disorders, but has been identified in 0.0008% (1/113438) of European chromosomes by gnomAD. Computational prediction tools and conservation analysis suggest that this variant may impact the protein, though this information is not predictive enough to determine pathogenicity. In summary, the clinical significance of this variant is uncertain. ACMG/AMP Criteria applied: PM2, PP3.

NM_002473.6(MYH9):c.659C>T (p.Ala220Val)

Gene: MYH9 (myosin heavy chain 9; minus strand). Cytogenetic location: 22q12.3.
Variant type: single nucleotide variant.
Coding change: c.659C>T on transcript NM_002473.6 (MANE Select); coding-DNA position 659, C replaced by T.
Protein change: p.Ala220Val; replaces alanine 220 with valine.
Molecular consequence: missense variant.
Genome position (GRCh38, 1-based): chr22:36,322,475, G>A on the plus strand (C>T on the coding strand, the complement: MYH9 is on the minus strand). VCF-style: chr22-36322475-G-A. GRCh37 (hg19) VCF-style: chr22-36718520-G-A.
Other names: short protein forms A220V.
Identifiers: ClinVar variation 930156 (VCV000930156.5), dbSNP rs1190062913, ClinGen allele CA411406837.
Genomic context (GRCh38, chr22:36,322,475, plus strand): 5'-GCCGCGCTACTCACGAAGCGGGAGGAGTTGTCATTCTTCACGGTCTTGGCGTTCCCGAAG[G>A]CCTCCAGGATGGGGTTGGCCTGCAGCAGCTGCCGCTCCAGCTCGCCCTGCAAGGAACCCA-3'
Protein context (NP_002464.1, residues 210-230): QLLQANPILE[Ala220Val]FGNAKTVKND